The following is an entry in ClinVar:

NM_001242896.3(DEPDC5):c.279+1G>T

Gene: DEPDC5 (DEP domain containing 5, GATOR1 subcomplex subunit; plus strand). Cytogenetic location: 22q12.2.
Variant type: single nucleotide variant.
Coding change: c.279+1G>T on transcript NM_001242896.3 (MANE Select); the canonical splice donor site of the intron after coding-DNA position 279, G replaced by T.
Molecular consequence: splice donor variant.
Genome position (GRCh38, 1-based): chr22:31,765,061, G>T. VCF-style: chr22-31765061-G-T. GRCh37 (hg19) VCF-style: chr22-32161047-G-T.
Other names: c.279+1G>T (NM_001364318.2, NM_001136029.4, NM_014662.6 and 9 more transcripts).
Identifiers: ClinVar variation 4076967 (VCV004076967.1).

ClinVar aggregate classification (germline): Likely pathogenic (1 of 4 stars; one submission).

Conditions:
Focal epilepsy. Also called: partial epilepsy. Identifiers: MedGen C0014547, MeSH D004828, MONDO:0005384.
Cortical dysplasia. Identifiers: Orphanet 268950, MedGen C0431380, MONDO:0017094, HP:0002539.

Submission:

Unidad de Genómica Garrahan, Hospital de Pediatría Garrahan
Classification: Likely pathogenic for Focal epilepsy; Cortical dysplasia. Last evaluated: 2025-08-05. Review status: criteria provided, single submitter. Criteria: ACMG Guidelines, 2015. Collection method: clinical testing. Allele origin: germline. Affected: yes.
Comment: Null variant in a gene where loss of function is a known mechanism of disease (PVS1_vs). Variant not found in gnomAD population databases (PM2_sup).